The following continues an entry in ClinVar:

NM_000059.4(BRCA2):c.5744C>T (p.Thr1915Met)

Gene: BRCA2. ClinVar aggregate classification (germline): Benign. Benign (1).

Submissions 21 to 45 of 45:

Laboratory for Molecular Medicine, Mass General Brigham Personalized Medicine
Classification: Benign. Last evaluated: 2015-06-29. Review status: criteria provided, single submitter. Criteria: LMM Criteria. Collection method: clinical testing. Allele origin: germline. Observed: 1 variant allele. Not counted in ClinVar's aggregate classification.
Comment: p.Thr1915Met in exon 11 of BRCA2: This variant is not expected to have clinical significance because it has been identified in 2.7% (1814/66580) of European chr omosomes by the Exome Aggregation Consortium (ExAC, rg; dbSNP rs4987117) and due to a lack of conservation across species, including >20 mammals which have a methionine (Met) at this position.

Eurofins Ntd Llc (ga)
Classification: Benign. Last evaluated: 2015-04-09. Review status: criteria provided, single submitter. Criteria: EGL Classification Definitions 2015. Collection method: clinical testing. Allele origin: germline. Observed: 18 variant alleles, 18 heterozygotes. Not counted in ClinVar's aggregate classification.

Genomic Diagnostic Laboratory, Division of Genomic Diagnostics, Children's Hospital of Philadelphia
Classification: Benign for Hereditary Breast and Ovarian Cancer. Last evaluated: 2015-03-25. Review status: criteria provided, single submitter. Criteria: DGD Variant Analysis Guidelines. Collection method: clinical testing. Allele origin: unknown. Not counted in ClinVar's aggregate classification.

Color Diagnostics, LLC DBA Color Health
Classification: Benign for Hereditary cancer-predisposing syndrome. Last evaluated: 2015-03-10. Review status: criteria provided, single submitter. Criteria: ACMG Guidelines, 2015. Collection method: clinical testing. Allele origin: germline. Not counted in ClinVar's aggregate classification.

Ambry Genetics
Classification: Benign for Hereditary cancer-predisposing syndrome. Last evaluated: 2014-11-19. Review status: criteria provided, single submitter. Criteria: Ambry Variant Classification Scheme 2023. Collection method: clinical testing. Allele origin: germline. Not counted in ClinVar's aggregate classification.

Molecular Genetics Laboratory, University of Michigan
Classification: Benign for Breast-ovarian cancer, familial, susceptibility to, 2. Last evaluated: 2014-11-03. Review status: criteria provided, single submitter. Criteria: ACMG Guidelines, 2015. Collection method: clinical testing. Allele origin: germline. Affected: yes. Not counted in ClinVar's aggregate classification.

Genome Diagnostics Laboratory, University Medical Center Utrecht
Classification: Benign for Breast-ovarian cancer, familial, susceptibility to, 2. Last evaluated: 2014-10-09. Review status: criteria provided, single submitter. Criteria: ACGS Guidelines, 2013. Collection method: clinical testing. Allele origin: germline. Affected: yes. Study: VKGL Data-share Consensus. Not counted in ClinVar's aggregate classification.

Women's Health and Genetics/Laboratory Corporation of America, LabCorp
Classification: Benign for Hereditary breast ovarian cancer syndrome. Last evaluated: 2014-01-15. Review status: criteria provided, single submitter. Criteria: LabCorp Variant Classification Summary - May 2015. Collection method: clinical testing. Allele origin: germline. Not counted in ClinVar's aggregate classification.

GeneDx
Classification: Benign. Last evaluated: 2013-09-16. Review status: criteria provided, single submitter. Criteria: GeneDx Variant Classification (06012015). Collection method: clinical testing. Allele origin: germline. Affected: yes. Not counted in ClinVar's aggregate classification.
Comment: This variant is considered likely benign or benign based on one or more of the following criteria: it is a conservative change, it occurs at a poorly conserved position in the protein, it is predicted to be benign by multiple in silico algorithms, and/or has population frequency not consistent with disease.

Breakthrough Genomics
Classification: Benign. Review status: criteria provided, single submitter. Criteria: ACMG Guidelines, 2015. Collection method: not provided. Allele origin: germline. Inheritance: Autosomal recessive inheritance. Affected: yes. Not counted in ClinVar's aggregate classification.

Clinical and Functional Genomics Group, A.C.Camargo Cancer Center
Classification: Uncertain significance for Breast Cancer. Review status: criteria provided, single submitter. Criteria: Silva et al. (BMC Med Genet. 2014). Collection method: research. Allele origin: germline. Affected: yes. Not counted in ClinVar's aggregate classification.

PreventionGenetics, part of Exact Sciences
Classification: Benign. Review status: criteria provided, single submitter. Criteria: ACMG Guidelines, 2015. Collection method: clinical testing. Allele origin: germline. Not counted in ClinVar's aggregate classification.

True Health Diagnostics
Classification: Benign for Hereditary cancer-predisposing syndrome. Last evaluated: 2017-12-01. Review status: no assertion criteria provided. Collection method: clinical testing. Allele origin: germline. Not counted in ClinVar's aggregate classification.

Mayo Clinic Laboratories, Mayo Clinic
Classification: Benign. Last evaluated: 2016-12-28. Review status: no assertion criteria provided. Collection method: clinical testing. Allele origin: unknown. Not counted in ClinVar's aggregate classification.

Pathway Genomics
Classification: Likely benign for hereditary breast and ovarian cancer, BROVCA2. Last evaluated: 2014-07-24. Review status: no assertion criteria provided. Collection method: literature only. Allele origin: germline. Not counted in ClinVar's aggregate classification.

Counsyl
Classification: Benign for Breast-ovarian cancer, familial 2. Last evaluated: 2014-01-02. Review status: no assertion criteria provided. Collection method: literature only. Allele origin: unknown. Inheritance: Autosomal dominant inheritance. Not counted in ClinVar's aggregate classification.

ITMI
No classification provided. Condition: AllHighlyPenetrant. Last evaluated: 2013-09-19. Review status: no classification provided. Collection method: reference population. Allele origin: germline. Not counted in ClinVar's aggregate classification.
Comment: Please see associated publication for description of ethnicities

Biesecker Lab/Clinical Genomics Section, National Institutes of Health
Classification: Benign. Last evaluated: 2012-07-13. Review status: no assertion criteria provided. Collection method: research. Allele origin: germline. Affected: no. Observed: 20 variant alleles. Study: ClinSeq. Not counted in ClinVar's aggregate classification.
ClinVar note: Converted during submission from no known pathogenicity to Benign.

Sharing Clinical Reports Project (SCRP)
Classification: Benign for Breast-ovarian cancer, familial 2. Last evaluated: 2011-03-15. Review status: no assertion criteria provided. Collection method: clinical testing. Allele origin: germline. Not counted in ClinVar's aggregate classification.

Breast Cancer Information Core (BIC) (BRCA2)
Classification: Uncertain significance for Breast-ovarian cancer, familial 2. Last evaluated: 2010-12-17. Review status: no assertion criteria provided. Collection method: clinical testing. Allele origin: germline. Affected: yes. Observed: 15 variant alleles. Not counted in ClinVar's aggregate classification.

Clinical Genetics Laboratory, Department of Pathology, Netherlands Cancer Institute
Classification: Benign. Review status: no assertion criteria provided. Collection method: clinical testing. Allele origin: germline. Affected: yes. Study: VKGL Data-share Consensus. Not counted in ClinVar's aggregate classification.

Department of Pathology and Laboratory Medicine, Sinai Health System
Classification: Benign. Review status: no assertion criteria provided. Collection method: clinical testing. Allele origin: unknown. Affected: yes. Study: The Canadian Open Genetics Repository (COGR). Not counted in ClinVar's aggregate classification.
Comment: The BRCA2 p.Thr1915Met variant was identified in 264 of 11658 proband chromosomes (frequency: 0.02) from individuals or families with breast and ovarian cancer (Borg 2010, D'Argenio 2015, Garre 2015, Schenkel 2016, Jalkh 2012, Serrano-Fernandez 2009, Meyer 2012, Cherbal 2012). The variant was also identified in the following databases: dbSNP (ID: rs4987117) as "With other allele", ClinVar (20X benign including review by expert panel ENIGMA, 3x likely benign, 2x uncertain significance), Clinvitae, GeneInsight-COGR (5x benign), Cosmic (3x, confirmed somatic, carcinoma of the large intestine and soft tissue), LOVD 3.0 (108x, predicted neutral), and the BIC Database (16x, not pathogenic). In UMD (41x, neutral biological significance) the variant was identified with co-occurring pathogenic variants: BRCA1 c.5137delG (p.Val1713X) and c.5266dup (p.Gln1756ProfsX74), BRCA2 c.3009_3010delCA (p.His1003GlnfsX5), c.5073dup (p.Trp1692MetfsX3), c.6405_6409delCTTAA (p.Asn2135LysfsX3), and c.7805G>C (p.Arg2602Thr), increasing the likelihood that the p.Thr1915Met variant does not have clinical significance. The variant was not identified in MutDB, ARUP Laboratories, or the Zhejiang Colon Cancer Database. The variant was identified in control databases in 4962 of 276776 chromosomes (61 homozygous) at a frequency of 0.02 increasing the likelihood this could be a low frequency benign variant (Genome Aggregation Database Feb 27, 2017). Breakdown of the observations by population include African in 125 of 24016 chromosomes (freq: 0.005), Other in 123 of 6456 chromosomes (freq: 0.02), Latino in 304 of 34410 chromosomes (freq: 0.01), European in 3746 of 126392 chromosomes (freq: 0.03), Ashkenazi Jewish in 161 of 10142 chromosomes (freq: 0.02), East Asian in 2 of 18860 chromosomes (freq: 0.0001), Finnish in 229 of 25748 chromosomes (freq: 0.009), and South Asian in 272 of 30752 chromosomes (freq: 0.009). The p.Thr1915 residue is not conserved in mammals and four out of five computational analyses (PolyPhen-2, SIFT, AlignGVGD, BLOSUM, MutationTaster) do not suggest a high likelihood of impact to the protein; however, this information is not predictive enough to rule out pathogenicity. The variant occurs outside of the splicing consensus sequence and in silico or computational prediction software programs (SpliceSiteFinder, MaxEntScan, NNSPLICE, GeneSplicer, HumanSpliceFinder) do not predict a difference in splicing. In summary, based on the above information this variant meets our laboratory's criteria to be classified as benign.

Diagnostic Laboratory, Department of Genetics, University Medical Center Groningen
Classification: Benign for Breast-ovarian cancer, familial, susceptibility to, 2. Review status: no assertion criteria provided. Collection method: clinical testing. Allele origin: germline. Affected: yes. Study: VKGL Data-share Consensus. Not counted in ClinVar's aggregate classification.

Joint Genome Diagnostic Labs from Nijmegen and Maastricht, Radboudumc and MUMC+
Classification: Benign. Review status: no assertion criteria provided. Collection method: clinical testing. Allele origin: germline. Affected: yes. Study: VKGL Data-share Consensus. Not counted in ClinVar's aggregate classification.

Laboratory of Diagnostic Genome Analysis, Leiden University Medical Center (LUMC)
Classification: Likely benign. Review status: no assertion criteria provided. Collection method: clinical testing. Allele origin: germline. Affected: yes. Study: VKGL Data-share Consensus. Not counted in ClinVar's aggregate classification.

Literature cited by the submitters: DOI 10.3389/fgene.2022.834265 (cited by National Health Laboratory Service, Universitas Academic Hospital and University of the Free State); PubMed 36329109 (cited by Genetics Program, Instituto Nacional de Cancer); PubMed 24728327 (cited by 3 submitters); PubMed 30611917 (cited by Quest Diagnostics Nichols Institute San Juan Capistrano); PubMed 17591940 (cited by Women's Health and Genetics/Laboratory Corporation of America, LabCorp); PubMed 10453741 (cited by Women's Health and Genetics/Laboratory Corporation of America, LabCorp); PubMed 10699917 (cited by Women's Health and Genetics/Laboratory Corporation of America, LabCorp); PubMed 21203900 (cited by Women's Health and Genetics/Laboratory Corporation of America, LabCorp); PubMed 12955716 (cited by Women's Health and Genetics/Laboratory Corporation of America, LabCorp); PubMed 19030985 (cited by Women's Health and Genetics/Laboratory Corporation of America, LabCorp and Counsyl); PubMed 23469205 (cited by Clinical and Functional Genomics Group, A.C.Camargo Cancer Center and Pathway Genomics); PubMed 17289875 (cited by Counsyl); PubMed 17341484 (cited by Counsyl); PubMed 22995991 (cited by Counsyl).